The following is an entry in ClinVar:

NM_015506.3(MMACHC):c.433del (p.Ile145fs)

Gene: MMACHC (metabolism of cobalamin associated C; plus strand). Cytogenetic location: 1p34.1.
Variant type: Deletion.
Coding change: c.433del on transcript NM_015506.3 (MANE Select); coding-DNA position 433, one base deleted (A; older notation c.433delA).
Protein change: p.Ile145fs; shifts the reading frame from isoleucine 145.
Molecular consequence: frameshift variant.
Genome position (GRCh38, 1-based): chr1:45,508,799, A deleted. VCF-style (leftmost placement, unchanged base first): chr1-45508798-CA-C. GRCh37 (hg19) VCF-style: chr1-45974470-CA-C.
Other names: c.262del, p.Ile88fs (NM_001330540.2); short protein forms I145fs, I88fs.
Identifiers: ClinVar variation 2068815 (VCV002068815.4), dbSNP rs2522826772, ClinGen allele CA2574352271.

ClinVar aggregate classification (germline): Pathogenic (1 of 4 stars; one submission).

Conditions:
Cobalamin C disease. Also called: Methylmalonic aciduria and homocystinuria, Vitamin B12-responsive; Vitamin B12 metabolic defect with combined deficiency of methylmalonyl-CoA mutase and homocysteine:methyltetrahydrofolate methyltransferase; methylmalonic aciduria and homocystinuria type cblC; Methylmalonic aciduria with homocystinuria cblC type; Cobalamin-C methylmalonic acidemia and homocystinuria; Methylmalonic acidemia and homocystinuria cblC type. Identifiers: Orphanet 26, Orphanet 79282, MedGen C1848561, MONDO:0010184, OMIM 277400.

Submission:

Labcorp Genetics (formerly Invitae), Labcorp
Classification: Pathogenic for Cobalamin C disease. Last evaluated: 2022-01-01. Review status: criteria provided, single submitter. Criteria: Invitae Variant Classification Sherloc (09022015). Collection method: clinical testing. Allele origin: germline.
Comment: This sequence change creates a premature translational stop signal (p.Ile145Tyrfs*19) in the MMACHC gene. While this is not anticipated to result in nonsense mediated decay, it is expected to disrupt the last 138 amino acid(s) of the MMACHC protein. This variant is not present in population databases (gnomAD no frequency). This variant has not been reported in the literature in individuals affected with MMACHC-related conditions. This variant disrupts a region of the MMACHC protein in which other variant(s) (p.Tyr222*) have been determined to be pathogenic (PMID: 16311595, 19767224, 30157807). This suggests that this is a clinically significant region of the protein, and that variants that disrupt it are likely to be disease-causing. For these reasons, this variant has been classified as Pathogenic.

Literature cited by the submitters: PubMed 16311595; PubMed 19767224; PubMed 30157807.